The following is an entry in ClinVar:

ClinVar aggregate classification (germline): Uncertain significance. Review status: criteria provided, multiple submitters, no conflicts (2 of 4 stars). 2 submissions from 2 submitters: Uncertain significance (2). Last evaluated 2021-09-14.

Conditions:
Hypercholesterolemia, autosomal dominant, type B (FHCL2). Also called: APOB-Related Familial Hypercholesterolemia, Autosomal Dominant; Hyperlipoproteinemia Type IIb; Familial Hypercholesterolemia Type B; APOLIPOPROTEIN B-100, FAMILIAL DEFECTIVE; APOLIPOPROTEIN B-100, FAMILIAL LIGAND-DEFECTIVE; Familial hypercholesterolemia 2. Identifiers: MedGen C1704417, MONDO:0007751, OMIM 144010.
Familial hypobetalipoproteinemia 1. Also called: APOB-Related Familial Hypobetalipoproteinemia; Hypobetalipoproteinemia, normotriglyceridemic; Acanthocytosis with hypobetalipoproteinemia. Identifiers: MedGen C4551990, MONDO:0014252, OMIM 615558.

Allele frequency attached by ClinVar (database versions not stated): gnomAD exomes below 0.00001.
gnomAD v4.1: 2 of 1,613,864 alleles (0.00012%); highest among the groups gnomAD compares: Middle Eastern, 0.033%; no homozygotes.

Submissions (2):

Fulgent Genetics
Classification: Uncertain significance for Hypercholesterolemia, autosomal dominant, type B; Familial hypobetalipoproteinemia 1. Last evaluated: 2021-09-14. Review status: criteria provided, single submitter. Criteria: ACMG Guidelines, 2015. Collection method: clinical testing. Allele origin: unknown.

Labcorp Genetics (formerly Invitae), Labcorp
Classification: Uncertain significance for Familial hypobetalipoproteinemia 1; Hypercholesterolemia, autosomal dominant, type B. Last evaluated: 2021-09-01. Review status: criteria provided, single submitter. Criteria: Invitae Variant Classification Sherloc (09022015). Collection method: clinical testing. Allele origin: germline.
Comment: This sequence change replaces glutamic acid with glycine at codon 462 of the APOB protein (p.Glu462Gly). The glutamic acid residue is weakly conserved and there is a moderate physicochemical difference between glutamic acid and glycine. This variant is not present in population databases (ExAC no frequency). This variant has not been reported in the literature in individuals affected with APOB-related conditions. ClinVar contains an entry for this variant (Variation ID: 629609). Algorithms developed to predict the effect of missense changes on protein structure and function (SIFT, PolyPhen-2, Align-GVGD) all suggest that this variant is likely to be tolerated. In summary, the available evidence is currently insufficient to determine the role of this variant in disease. Therefore, it has been classified as a Variant of Uncertain Significance.

NM_000384.3(APOB):c.1385A>G (p.Glu462Gly)

Gene: APOB (apolipoprotein B; minus strand). Cytogenetic location: 2p24.1.
Variant type: single nucleotide variant.
Coding change: c.1385A>G on transcript NM_000384.3 (MANE Select); coding-DNA position 1385, A replaced by G.
Protein change: p.Glu462Gly; replaces glutamic acid 462 with glycine.
Molecular consequence: missense variant.
Genome position (GRCh38, 1-based): chr2:21,029,983, T>C on the plus strand (A>G on the coding strand, the complement: APOB is on the minus strand). VCF-style: chr2-21029983-T-C. GRCh37 (hg19) VCF-style: chr2-21252855-T-C.
Other names: short protein forms E462G.
Identifiers: ClinVar variation 629609 (VCV000629609.8), dbSNP rs1558573118, ClinGen allele CA346015394.